The following is an entry in ClinVar:

NM_001101.5(ACTB):c.24C>G (p.Leu8=)

Gene: ACTB (actin beta; minus strand). Cytogenetic location: 7p22.1.
Variant type: single nucleotide variant.
Coding change: c.24C>G on transcript NM_001101.5 (MANE Select); coding-DNA position 24, C replaced by G.
Protein change: p.Leu8=; no amino-acid change (leucine 8 retained).
Molecular consequence: synonymous variant.
Genome position (GRCh38, 1-based): chr7:5,529,634, G>C on the plus strand (C>G on the coding strand, the complement: ACTB is on the minus strand). VCF-style: chr7-5529634-G-C. GRCh37 (hg19) VCF-style: chr7-5569265-G-C.
Identifiers: ClinVar variation 697942 (VCV000697942.37), dbSNP rs151181948, ClinGen allele CA4147213.

ClinVar aggregate classification (germline): Likely benign. Review status: criteria provided, multiple submitters, no conflicts (2 of 4 stars). 7 submissions from 7 submitters: Likely benign (6). 1 of the submissions does not count toward it. Last evaluated 2025-03-26.

Conditions:
Baraitser-Winter syndrome 1 (BRWS1). Also called: BARAITSER-WINTER SYNDROME 1, ATYPICAL; Cerebrofrontofacial syndrome; PACHYGYRIA, MENTAL RETARDATION, EPILEPSY, AND CHARACTERISTIC FACIES; MENTAL RETARDATION WITH EPILEPSY AND CHARACTERISTIC FACIES. Identifiers: Orphanet 2649, Orphanet 2995, MedGen C1855722, MONDO:0009470, OMIM 243310.
ACTB-related disorder. Also called: ACTB-related condition; ACTB-related disorders.
Developmental malformations-deafness-dystonia syndrome (DDS1). Identifiers: Orphanet 79107, MedGen C5848323, MONDO:0011823, OMIM 607371.

Allele frequency attached by ClinVar (database versions not stated): gnomAD 0.00003; TOPMed 0.00006; ESP Exome Variant Server 0.00008.
gnomAD v4.1: 29 of 1,611,220 alleles (0.0018%); highest among the groups gnomAD compares: Admixed American, 0.0033%; no homozygotes.

Submissions (7):

Women's Health and Genetics/Laboratory Corporation of America, LabCorp
Classification: Likely benign. Last evaluated: 2025-03-26. Review status: criteria provided, single submitter. Criteria: LabCorp Variant Classification Summary - May 2015. Collection method: clinical testing. Allele origin: germline.

Labcorp Genetics (formerly Invitae), Labcorp
Classification: Likely benign for Baraitser-Winter syndrome 1. Last evaluated: 2025-02-02. Review status: criteria provided, single submitter. Criteria: Invitae Variant Classification Sherloc (09022015). Collection method: clinical testing. Allele origin: germline.

Blueprint Genetics
Classification: Likely benign. Last evaluated: 2024-10-29. Review status: criteria provided, single submitter. Criteria: ACMG Guidelines, 2015. Collection method: clinical testing. Allele origin: germline.

CeGaT Center for Human Genetics Tuebingen
Classification: Likely benign. Last evaluated: 2024-03-01. Review status: criteria provided, single submitter. Criteria: CeGaT Center For Human Genetics Tuebingen Variant Classification Criteria Version 2. Collection method: clinical testing. Allele origin: germline. Affected: yes. Observed: 1 variant allele.
Comment: ACTB: BP4, BP7

Fulgent Genetics
Classification: Likely benign for Baraitser-Winter syndrome 1; Developmental malformations-deafness-dystonia syndrome. Last evaluated: 2022-01-19. Review status: criteria provided, single submitter. Criteria: ACMG Guidelines, 2015. Collection method: clinical testing. Allele origin: unknown.

Breakthrough Genomics
Classification: Likely benign. Review status: criteria provided, single submitter. Criteria: ACMG Guidelines, 2015. Collection method: not provided. Allele origin: germline. Inheritance: Autosomal dominant inheritance. Affected: yes.

PreventionGenetics, part of Exact Sciences
Classification: Likely benign for ACTB-related condition. Last evaluated: 2024-01-22. Review status: no assertion criteria provided. Collection method: clinical testing. Allele origin: germline. Not counted in ClinVar's aggregate classification.
Comment: This variant is classified as likely benign based on ACMG/AMP sequence variant interpretation guidelines (Richards et al. 2015 PMID: 25741868, with internal and published modifications).